The following is an entry in ClinVar:

ClinVar aggregate classification (germline): Uncertain significance. Review status: criteria provided, multiple submitters, no conflicts (2 of 4 stars). 3 submissions from 3 submitters: Uncertain significance (3). Last evaluated 2024-09-15.

Conditions:
Hereditary cancer-predisposing syndrome. Also called: Tumor predisposition; Hereditary neoplastic syndrome; Hereditary Cancer Syndrome; Neoplastic Syndromes, Hereditary. Identifiers: Orphanet 140162, MedGen C0027672, MeSH D009386, MONDO:0015356.
Retinoblastoma (RB1). Also called: RETINOBLASTOMA, SOMATIC. Identifiers: Orphanet 790, MedGen C0035335, MeSH D012175, MONDO:0008380, OMIM 180200, HP:0009919. Disease mechanism: loss of function. Inheritance: Both sporadic and heritable forms are tested..

Submissions (3):

Ambry Genetics
Classification: Uncertain significance for Hereditary cancer-predisposing syndrome. Last evaluated: 2024-09-15. Review status: criteria provided, single submitter. Criteria: Ambry Variant Classification Scheme 2023. Collection method: clinical testing. Allele origin: germline.
Comment: The p.C438Y variant (also known as c.1313G>A), located in coding exon 13 of the RB1 gene, results from a G to A substitution at nucleotide position 1313. The cysteine at codon 438 is replaced by tyrosine, an amino acid with highly dissimilar properties. This amino acid position is conserved. In addition, this alteration is predicted to be deleterious by in silico analysis. Since supporting evidence is limited at this time, the clinical significance of this alteration remains unclear.

Labcorp Genetics (formerly Invitae), Labcorp
Classification: Uncertain significance for Retinoblastoma. Last evaluated: 2023-12-18. Review status: criteria provided, single submitter. Criteria: Invitae Variant Classification Sherloc (09022015). Collection method: clinical testing. Allele origin: germline.
Comment: This sequence change replaces cysteine, which is neutral and slightly polar, with tyrosine, which is neutral and polar, at codon 438 of the RB1 protein (p.Cys438Tyr). This variant is not present in population databases (gnomAD no frequency). This variant has not been reported in the literature in individuals affected with RB1-related conditions. ClinVar contains an entry for this variant (Variation ID: 935171). Advanced modeling of protein sequence and biophysical properties (such as structural, functional, and spatial information, amino acid conservation, physicochemical variation, residue mobility, and thermodynamic stability) performed at Invitae indicates that this missense variant is not expected to disrupt RB1 protein function with a negative predictive value of 80%. In summary, the available evidence is currently insufficient to determine the role of this variant in disease. Therefore, it has been classified as a Variant of Uncertain Significance.

All of Us Research Program, National Institutes of Health
Classification: Uncertain significance for Retinoblastoma. Last evaluated: 2023-08-15. Review status: criteria provided, single submitter. Criteria: ACMG Guidelines, 2015. Collection method: clinical testing. Allele origin: germline. Inheritance: Autosomal dominant inheritance. Observed: 1 variant allele, 1 heterozygote.
Comment: This study involves interpretation of variants in research participants for the purpose of population health screening. Participant phenotype was not available at the time of variant classification. Additional details can be found in publication PMID: 35346344, PMCID: PMC8962531

NM_000321.3(RB1):c.1313G>A (p.Cys438Tyr)

Gene: RB1 (RB transcriptional corepressor 1; plus strand). Cytogenetic location: 13q14.2.
Variant type: single nucleotide variant.
Coding change: c.1313G>A on transcript NM_000321.3 (MANE Select); coding-DNA position 1313, G replaced by A.
Protein change: p.Cys438Tyr; replaces cysteine 438 with tyrosine.
Molecular consequence: missense variant.
Genome position (GRCh38, 1-based): chr13:48,377,015, G>A. VCF-style: chr13-48377015-G-A. GRCh37 (hg19) VCF-style: chr13-48951151-G-A.
Other names: short protein forms C438Y.
Identifiers: ClinVar variation 935171 (VCV000935171.14), dbSNP rs1952832267, ClinGen allele CA388162152.